The following is an entry in ClinVar:

NM_052876.4(NACC1):c.1531G>A (p.Glu511Lys)

Gene: NACC1 (nucleus accumbens associated 1; plus strand). Cytogenetic location: 19p13.13.
Variant type: single nucleotide variant.
Coding change: c.1531G>A on transcript NM_052876.4 (MANE Select); coding-DNA position 1531, G replaced by A.
Protein change: p.Glu511Lys; replaces glutamic acid 511 with lysine.
Molecular consequence: missense variant.
Genome position (GRCh38, 1-based): chr19:13,138,353, G>A. VCF-style: chr19-13138353-G-A. GRCh37 (hg19) VCF-style: chr19-13249167-G-A.
Other names: short protein forms E511K.
Identifiers: ClinVar variation 1515469 (VCV001515469.8), dbSNP rs767257172, ClinGen allele CA9238546.

ClinVar aggregate classification (germline): Uncertain significance (1 of 4 stars; one submission).

Allele frequency attached by ClinVar (database versions not stated): gnomAD 0.00001; gnomAD exomes 0.00001; TOPMed 0.00001; ExAC 0.00001.
gnomAD v4.1: 16 of 1,613,554 alleles (0.00099%); highest among the groups gnomAD compares: Admixed American, 0.0017%; no homozygotes.

Submission:

Labcorp Genetics (formerly Invitae), Labcorp
Classification: Uncertain significance. Last evaluated: 2024-03-03. Review status: criteria provided, single submitter. Criteria: Invitae Variant Classification Sherloc (09022015). Collection method: clinical testing. Allele origin: germline.
Comment: This sequence change replaces glutamic acid, which is acidic and polar, with lysine, which is basic and polar, at codon 511 of the NACC1 protein (p.Glu511Lys). This variant is present in population databases (rs767257172, gnomAD 0.003%). This variant has not been reported in the literature in individuals affected with NACC1-related conditions. ClinVar contains an entry for this variant (Variation ID: 1515469). Advanced modeling of protein sequence and biophysical properties (such as structural, functional, and spatial information, amino acid conservation, physicochemical variation, residue mobility, and thermodynamic stability) performed at Invitae indicates that this missense variant is not expected to disrupt NACC1 protein function with a negative predictive value of 80%. In summary, the available evidence is currently insufficient to determine the role of this variant in disease. Therefore, it has been classified as a Variant of Uncertain Significance.